The following is an entry in ClinVar:

ClinVar aggregate classification (germline): Conflicting classifications of pathogenicity. Review status: criteria provided, conflicting classifications (1 of 4 stars). 13 submissions from 13 submitters: Uncertain significance (4); Benign (1); Likely benign (8). Last evaluated 2026-01-26.

Conditions:
MSH6-related disorder. Also called: MSH6-related condition; MSH6-Related disorders.
Hereditary nonpolyposis colorectal neoplasms. Identifiers: MedGen C0009405, MeSH D003123.
Mismatch repair cancer syndrome 3. Identifiers: MedGen C5436807, MONDO:0030841, OMIM 619097.
Hereditary cancer-predisposing syndrome. Also called: Neoplastic Syndromes, Hereditary; Tumor predisposition; Hereditary Cancer Syndrome; Hereditary neoplastic syndrome. Identifiers: Orphanet 140162, MedGen C0027672, MeSH D009386, MONDO:0015356.
Lynch syndrome. Identifiers: Orphanet 144, MedGen C4552100, MONDO:0005835. Disease mechanism: loss of function.
Lynch syndrome 5 (LYNCH5). Also called: Colorectal cancer, hereditary nonpolyposis, type 5; Hereditary non-polyposis colorectal cancer, type 5. Identifiers: Orphanet 144, MedGen C1833477, MONDO:0013710, OMIM 614350. Disease mechanism: loss of function.

Allele frequency attached by ClinVar (database versions not stated): gnomAD exomes 0.00001 and 0.00005; ExAC 0.00006; gnomAD 0.00009 and 0.00011; TOPMed 0.00011; ESP Exome Variant Server 0.00031.
gnomAD v4.1: 36 of 1,613,998 alleles (0.0022%); highest among the groups gnomAD compares: African/African-American, 0.039%; no homozygotes.

Submissions (13):

Labcorp Genetics (formerly Invitae), Labcorp
Classification: Likely benign for Hereditary nonpolyposis colorectal neoplasms. Last evaluated: 2026-01-26. Review status: criteria provided, single submitter. Criteria: Invitae Variant Classification Sherloc (09022015). Collection method: clinical testing. Allele origin: germline.

PreventionGenetics, part of Exact Sciences
Classification: Likely benign for MSH6-related condition. Last evaluated: 2025-12-06. Review status: criteria provided, single submitter. Criteria: ACMG Guidelines, 2015. Collection method: clinical testing. Allele origin: germline.
Comment: This variant is classified as likely benign based on ACMG/AMP sequence variant interpretation guidelines (Richards et al. 2015 PMID: 25741868, with internal and published modifications).

Women's Health and Genetics/Laboratory Corporation of America, LabCorp
Classification: Likely benign. Last evaluated: 2025-09-09. Review status: criteria provided, single submitter. Criteria: LabCorp Variant Classification Summary - May 2015. Collection method: clinical testing. Allele origin: germline.
Comment: Variant summary: MSH6 c.942C>G (p.Ser314Arg) results in a non-conservative amino acid change in the encoded protein sequence. Algorithms developed to predict the effect of missense changes on protein structure and function are either unavailable or do not agree on the potential impact of this missense change. The variant allele was found at a frequency of 4.8e-05 in 251294 control chromosomes, predominantly at a frequency of 0.00068 within the African or African-American subpopulation in the gnomAD database. The observed variant frequency within African or African-American control individuals in the gnomAD database exceeds the estimated maximal expected allele frequency for disease-causing variants in MSH6. c.942C>G has been reported as a germline Benign/VUS variant in settings of multigene panel testing among individuals with a variety of cancers such as ALL, Endometrial and Colorectal Cancer (e.g. Zhang_2015, Ring_2016, Yurgelun_2017). These report(s) do not provide unequivocal conclusions about association of the variant with Lynch Syndrome and related cancers. To our knowledge, no experimental evidence demonstrating an impact on protein function has been reported. The following publications have been ascertained in the context of this evaluation (PMID: 27443514, 28135145, 26580448). ClinVar contains an entry for this variant (Variation ID: 229741). Based on the evidence outlined above, the variant was classified as likely benign.

Myriad Genetics, Inc.
Classification: Likely benign for Lynch syndrome 5. Last evaluated: 2024-12-20. Review status: criteria provided, single submitter. Criteria: Myriad Autosomal Dominant, Autosomal Recessive and X-Linked Classification Criteria (2023). Collection method: clinical testing. Allele origin: unknown.
Comment: This variant is considered likely benign. This variant is strongly associated with less severe personal and family histories of cancer, typical for individuals without pathogenic variants in this gene [PMID: 27363726].

Color Diagnostics, LLC DBA Color Health
Classification: Benign for Hereditary cancer-predisposing syndrome. Last evaluated: 2024-10-09. Review status: criteria provided, single submitter. Criteria: ACMG Guidelines, 2015. Collection method: clinical testing. Allele origin: germline.

Quest Diagnostics Nichols Institute San Juan Capistrano
Classification: Uncertain significance. Last evaluated: 2024-03-22. Review status: criteria provided, single submitter. Criteria: Quest Diagnostics criteria. Collection method: clinical testing. Allele origin: unknown.
Comment: The MSH6 c.942C>G (p.Ser314Arg) variant has been reported in the published literature in individuals with colorectal cancer (PMID: 28135145 (2017)), endometrial cancer (PMID: 27443514 (2016)), and breast cancer (PMID: 35534704 (2022)). This variant has also been identified in an individual with acute lymphoblastic leukemia (PMID: 26580448 (2015)). The frequency of this variant in the general population, 0.00056 (14/24948 chromosomes in African/African American subpopulation (Genome Aggregation Database)), is higher than would generally be expected for pathogenic variants in this gene. Analysis of this variant using bioinformatics tools for the prediction of the effect of amino acid changes on protein structure and function yielded predictions that this variant is benign. Based on the available information, we are unable to determine the clinical significance of this variant.

All of Us Research Program, National Institutes of Health
Classification: Likely benign for Lynch syndrome. Last evaluated: 2023-12-01. Review status: criteria provided, single submitter. Criteria: ACMG Guidelines, 2015. Collection method: clinical testing. Allele origin: germline. Inheritance: Autosomal dominant inheritance. Observed: 10 variant alleles, 10 heterozygotes.
Comment: This study involves interpretation of variants in research participants for the purpose of population health screening. Participant phenotype was not available at the time of variant classification. Additional details can be found in publication PMID: 35346344, PMCID: PMC8962531

Department of Pathology and Laboratory Medicine, Sinai Health System
Classification: Uncertain significance for Mismatch repair cancer syndrome 3. Last evaluated: 2022-09-08. Review status: criteria provided, single submitter. Criteria: ACMG Guidelines, 2015. Collection method: clinical testing. Allele origin: germline. Affected: yes.

Ambry Genetics
Classification: Likely benign for Hereditary cancer-predisposing syndrome. Last evaluated: 2022-08-16. Review status: criteria provided, single submitter. Criteria: Ambry Variant Classification Scheme 2023. Collection method: clinical testing. Allele origin: germline.

Sema4
Classification: Uncertain significance for Hereditary cancer-predisposing syndrome. Last evaluated: 2021-10-21. Review status: criteria provided, single submitter. Criteria: Sema4 Curation Guidelines. Collection method: curation. Allele origin: germline.
Comment: The MSH6 c.942C>G (p.S314R) variant has been reported in heterozygosity in individuals with colorectal cancer or endometrial cancer (PMID: 28135145, 27443514). It was observed in 14/24948 chromosomes of the African/African American subpopulation, with no homozygotes, in the large and broad cohorts of the Genome Aggregation Database (PMID: 32461654). The variant has been reported in ClinVar (Variation ID 229741). Functional studies have not been performed, and in silico predictions of the variant's effect on protein function are inconclusive. The evidence is insufficient to meet ACMG/AMP criteria for classifying the variant as benign or pathogenic. Thus, the clinical significance of this variant is currently uncertain.

St. Jude Molecular Pathology, St. Jude Children's Research Hospital
Classification: Uncertain significance for Lynch syndrome. Last evaluated: 2020-10-15. Review status: criteria provided, single submitter. Criteria: St. Jude Assertion Criteria 2020. Collection method: clinical testing. Allele origin: germline.
Comment: The MSH6 c.942C>G (p.Ser314Arg) missense change has a maximum subpopulation frequency of 0.056% in gnomAD v2.1.1. Six of seven in silico tools predict a benign effect of this variant on protein function (BP4), but these predictions have not been confirmed by functional studies. This variant has been reported in individuals with colorectal cancer (PMID: 28135145) and endometrial cancer (PMID: 27443514). In summary, this variant meets criteria to be classified as of uncertain significance based on the ACMG/AMP criteria: BP4.

GeneDx
Classification: Likely benign. Last evaluated: 2020-03-25. Review status: criteria provided, single submitter. Criteria: GeneDx Variant Classification Process June 2021. Collection method: clinical testing. Allele origin: germline. Affected: yes.
Comment: This variant is associated with the following publications: (PMID: 27443514, 28135145)

Center for Human Genetics, Inc
Classification: Likely benign for Lynch syndrome 5. Last evaluated: 2016-11-01. Review status: criteria provided, single submitter. Criteria: ACMG Guidelines, 2015. Collection method: clinical testing. Allele origin: germline. Affected: yes.

Literature cited by the submitters: PubMed 27443514 (cited by 5 submitters); PubMed 28135145 (cited by 5 submitters); PubMed 26580448 (cited by 4 submitters); PubMed 27363726 (cited by Myriad Genetics, Inc.); PubMed 35534704 (cited by Quest Diagnostics Nichols Institute San Juan Capistrano).

NM_000179.3(MSH6):c.942C>G (p.Ser314Arg)

Gene: MSH6 (mutS homolog 6; plus strand). Cytogenetic location: 2p16.3.
Variant type: single nucleotide variant.
Coding change: c.942C>G on transcript NM_000179.3 (MANE Select); coding-DNA position 942, C replaced by G.
Protein change: p.Ser314Arg; replaces serine 314 with arginine.
Molecular consequence: missense variant.
Genome position (GRCh38, 1-based): chr2:47,798,925, C>G. VCF-style: chr2-47798925-C-G. GRCh37 (hg19) VCF-style: chr2-48026064-C-G.
Other names: c.552C>G, p.Ser184Arg (NM_001281492.2); c.36C>G, p.Ser12Arg (NM_001281493.2, NM_001281494.2); short protein forms S314R, S12R, S184R.
Identifiers: ClinVar variation 229741 (VCV000229741.33), dbSNP rs150440246, ClinGen allele CA073603.
Genomic context (GRCh38, chr2:47,798,925, plus strand): 5'-CAAAGTTGCTCGAAAGCGGAAGAGAATGGTGACTGGAAATGGCTCTCTTAAAAGGAAAAG[C>G]TCTAGGAAGGAAACGCCCTCAGCCACCAAACAAGCAACTAGCATTTCATCAGAAACCAAG-3'
Protein context (NP_000170.1, residues 304-324): VTGNGSLKRK[Ser314Arg]SRKETPSATK